The following is an entry in ClinVar:

ClinVar aggregate classification (germline): Uncertain significance. Review status: criteria provided, multiple submitters, no conflicts (2 of 4 stars). 2 submissions from 2 submitters: Uncertain significance (2). Last evaluated 2023-12-13.

Conditions:
Fanconi anemia complementation group L (FANCL). Also called: FANCL-Related Fanconi Anemia. Identifiers: Orphanet 84, MedGen C3469528, MONDO:0013566, OMIM 614083.
Fanconi anemia (FA). Also called: Fanconi's anemia. Identifiers: Orphanet 84, MedGen C0015625, MeSH D005199, MONDO:0019391.

Allele frequency attached by ClinVar (database versions not stated): TOPMed below 0.00001; gnomAD exomes 0.00002.
gnomAD v4.1: 33 of 1,612,922 alleles (0.002%); highest among the groups gnomAD compares: Non-Finnish European, 0.0028%; no homozygotes.

Submissions (2):

ARUP Laboratories, Molecular Genetics and Genomics, ARUP Laboratories
Classification: Uncertain significance for Fanconi anemia complementation group L. Last evaluated: 2023-12-13. Review status: criteria provided, single submitter. Criteria: ARUP Molecular Germline Variant Investigation Process 2024. Collection method: clinical testing. Allele origin: germline.

Labcorp Genetics (formerly Invitae), Labcorp
Classification: Uncertain significance for Fanconi anemia. Last evaluated: 2021-08-28. Review status: criteria provided, single submitter. Criteria: Invitae Variant Classification Sherloc (09022015). Collection method: clinical testing. Allele origin: germline.
Comment: This sequence change replaces arginine with lysine at codon 52 of the FANCL protein (p.Arg52Lys). The arginine residue is moderately conserved and there is a small physicochemical difference between arginine and lysine. This variant also falls at the last nucleotide of exon 2, which is part of the consensus splice site for this exon. This variant is not present in population databases (ExAC no frequency). This variant has not been reported in the literature in individuals affected with FANCL-related conditions. Algorithms developed to predict the effect of missense changes on protein structure and function (SIFT, PolyPhen-2, Align-GVGD) all suggest that this variant is likely to be tolerated. Variants that disrupt the consensus splice site are a relatively common cause of aberrant splicing (PMID: 17576681, 9536098). Algorithms developed to predict the effect of sequence changes on RNA splicing suggest that this variant may disrupt the consensus splice site. In summary, the available evidence is currently insufficient to determine the role of this variant in disease. Therefore, it has been classified as a Variant of Uncertain Significance.

Literature cited by the submitters: PubMed 17576681 (cited by Labcorp Genetics (formerly Invitae), Labcorp); PubMed 9536098 (cited by Labcorp Genetics (formerly Invitae), Labcorp).

NM_018062.4(FANCL):c.155G>A (p.Arg52Lys)

Gene: FANCL (FA complementation group L; minus strand). Cytogenetic location: 2p16.1.
Variant type: single nucleotide variant.
Coding change: c.155G>A on transcript NM_018062.4 (MANE Select); coding-DNA position 155, G replaced by A.
Protein change: p.Arg52Lys; replaces arginine 52 with lysine.
Molecular consequence: missense variant.
Genome position (GRCh38, 1-based): chr2:58,232,054, C>T on the plus strand (G>A on the coding strand, the complement: FANCL is on the minus strand). VCF-style: chr2-58232054-C-T. GRCh37 (hg19) VCF-style: chr2-58459189-C-T.
Other names: c.155G>A, p.Arg52Lys (NM_001114636.2, NM_001374615.1, NM_001410792.1); short protein forms R52K.
Identifiers: ClinVar variation 1507704 (VCV001507704.6), dbSNP rs1693636944, ClinGen allele CA347034890.